The following is an entry in ClinVar:

NM_182914.3(SYNE2):c.6064T>C (p.Tyr2022His)

Gene: SYNE2 (spectrin repeat containing nuclear envelope protein 2; plus strand). Cytogenetic location: 14q23.2.
Variant type: single nucleotide variant.
Coding change: c.6064T>C on transcript NM_182914.3 (MANE Select); coding-DNA position 6064, T replaced by C.
Protein change: p.Tyr2022His; replaces tyrosine 2022 with histidine.
Molecular consequence: missense variant.
Genome position (GRCh38, 1-based): chr14:64,025,233, T>C. VCF-style: chr14-64025233-T-C. GRCh37 (hg19) VCF-style: chr14-64491951-T-C.
Other names: c.6064T>C (NM_182914.2); c.6064T>C, p.Tyr2022His (NM_015180.6); short protein forms Y2022H.
Identifiers: ClinVar variation 1398462 (VCV001398462.10), dbSNP rs1264331455, ClinGen allele CA389945519.

ClinVar aggregate classification (germline): Uncertain significance. Review status: criteria provided, multiple submitters, no conflicts (2 of 4 stars). 2 submissions from 2 submitters: Uncertain significance (2). Last evaluated 2021-02-14.

Conditions:
Emery-Dreifuss muscular dystrophy 5, autosomal dominant (EDMD5). Also called: EMERY-DREIFUSS MUSCULAR DYSTROPHY 5. Identifiers: Orphanet 261, MedGen C2751805, MONDO:0013072, OMIM 612999.

Allele frequency attached by ClinVar (database versions not stated): gnomAD exomes below 0.00001 and 0.00008; gnomAD 0.00003; TOPMed 0.00003.
gnomAD v4.1: 113 of 1,613,982 alleles (0.007%); highest among the groups gnomAD compares: Non-Finnish European, 0.0092%; no homozygotes.

Submissions (2):

Labcorp Genetics (formerly Invitae), Labcorp
Classification: Uncertain significance for Emery-Dreifuss muscular dystrophy 5, autosomal dominant. Last evaluated: 2021-02-14. Review status: criteria provided, single submitter. Criteria: Invitae Variant Classification Sherloc (09022015). Collection method: clinical testing. Allele origin: germline.
Comment: In summary, the available evidence is currently insufficient to determine the role of this variant in disease. Therefore, it has been classified as a Variant of Uncertain Significance. Algorithms developed to predict the effect of missense changes on protein structure and function are either unavailable or do not agree on the potential impact of this missense change (SIFT: "Deleterious"; PolyPhen-2: "Probably Damaging"; Align-GVGD: "Class C0"). This variant has not been reported in the literature in individuals with SYNE2-related conditions. This variant is not present in population databases (ExAC no frequency). This sequence change replaces tyrosine with histidine at codon 2022 of the SYNE2 protein (p.Tyr2022His). The tyrosine residue is weakly conserved and there is a moderate physicochemical difference between tyrosine and histidine.

Revvity Omics, Revvity
Classification: Uncertain significance for Emery-Dreifuss muscular dystrophy 5, autosomal dominant. Last evaluated: 2019-11-20. Review status: criteria provided, single submitter. Criteria: ACMG Guidelines, 2015. Collection method: clinical testing. Allele origin: germline.